The following is an entry in ClinVar:

ClinVar aggregate classification (germline): Likely benign (1 of 4 stars; one submission).

Conditions:
Breast-ovarian cancer, familial, susceptibility to, 1 (BROVCA1). Also called: OVARIAN CANCER, SUSCEPTIBILITY TO; BRCA1 Hereditary Breast and Ovarian Cancer. Identifiers: Orphanet 145, MedGen C2676676, MONDO:0011450, OMIM 604370. Disease mechanism: loss of function.

gnomAD v4.1: 1 of 1,614,184 alleles (0.000062%); highest among the groups gnomAD compares: Non-Finnish European, 0.000085%; no homozygotes.

Submission:

Cancer Bioinformatics and Tumour Evolution Laboratory, Monash University
Classification: Likely benign for Breast-ovarian cancer, familial, susceptibility to, 1. Last evaluated: 2026-05-01. Review status: criteria provided, single submitter. Criteria: ClinGen BRCA1 and BRCA2 Guidelines, 2024. Collection method: curation. Allele origin: germline. Inheritance: Autosomal dominant inheritance.
Comment: Missense variant outside of a functional domain with no splice impact. BRCA1 and BRCA2 VCEP guidelines recommend application of BP1_Strong (PMID: 39142283)

NM_007294.4(BRCA1):c.3866C>A (p.Thr1289Lys)

Genes: BRCA1 (BRCA1 DNA repair associated; minus strand), LOC126862571 (BRD4-independent group 4 enhancer GRCh37_chr17:41243136-41244335; plus strand). Cytogenetic location: 17q21.31.
Variant type: single nucleotide variant.
Coding change: c.3866C>A on transcript NM_007294.4 (MANE Select); coding-DNA position 3866, C replaced by A.
Protein change: p.Thr1289Lys; replaces threonine 1289 with lysine.
Molecular consequence: missense variant. On other transcripts: intron variant (135).
Genome position (GRCh38, 1-based): chr17:43,091,665, G>T on the plus strand (C>A on the coding strand, the complement: BRCA1 is on the minus strand). VCF-style: chr17-43091665-G-T. GRCh37 (hg19) VCF-style: chr17-41243682-G-T.
Other names: c.3725C>A, p.Thr1242Lys (NM_001407728.1, NM_001407729.1, NM_001407730.1 and 29 more transcripts); c.3653C>A, p.Thr1218Lys (NM_001407571.1, NM_001407853.1, NM_001407894.1 and 9 more transcripts); c.3866C>A, p.Thr1289Lys (NM_001407581.1, NM_001407582.1, NM_001407583.1 and 30 more transcripts); c.3863C>A, p.Thr1288Lys (NM_001407587.1, NM_001407590.1, NM_001407591.1 and 22 more transcripts); c.3857C>A, p.Thr1286Lys (NM_001407646.1, NM_001407647.1); c.3743C>A, p.Thr1248Lys (NM_001407648.1, NM_001407664.1, NM_001407665.1 and 19 more transcripts); c.3740C>A, p.Thr1247Lys (NM_001407649.1, NM_001407670.1, NM_001407671.1 and 11 more transcripts); c.3788C>A, p.Thr1263Lys (NM_001407653.1, NM_001407654.1, NM_001407655.1 and 4 more transcripts); and 41 more; short protein forms T1121K, T1161K, T1162K, T1177K, T1178K, T1200K, T1201K, T1218K.
Identifiers: ClinVar variation 4856578 (VCV004856578.1).
Genomic context (GRCh38, chr17:43,091,665, plus strand): 5'-TTTGCAGTCAAGTCTTCCAATTCACTGCACTGTGAAGAAAACAAGCTAGCAGAACATTTT[G>T]TTTCCTCACTAAGGTGATGTTCCTGAGATGCCTTTGCCAATATTACCTGGTTACTGCAGT-3'
Protein context (NP_009225.1, residues 1279-1299): ASQEHHLSEE[Thr1289Lys]KCSASLFSSQ